The following is an entry in ClinVar:

ClinVar aggregate classification (germline): Uncertain significance. Review status: reviewed by expert panel (3 of 4 stars). 2 submissions from 2 submitters: Uncertain significance (1). 1 of the submissions does not count toward it. Last evaluated 2023-12-21.

Conditions:
Mitochondrial disease. Also called: Mitochondrial disorder; Mitochondrial disorders. Identifiers: Orphanet 68380, MedGen C0751651, MeSH D028361, MONDO:0044970.
Cytochrome c oxidase I deficiency. Identifiers: MedGen C4016602.

Submissions (2):

ClinGen Mitochondrial Disease Nuclear and Mitochondrial  Variant Curation Expert Panel, ClinGen
Classification: Uncertain significance for Mitochondrial disease. Last evaluated: 2023-12-21. Review status: reviewed by expert panel. Criteria: clingen mito disease acmg specifications v1-1. Collection method: curation. Allele origin: germline. Inheritance: Mitochondrial inheritance.
Comment: The m.6328C>T (p.S142F) variant in MT-CO1 has been reported in one individual to date with primary mitochondrial disease. This individual had a severe cardioencephalomyopathy resembling mitochondrial encephalomyopathy with lactic acidosis and stroke-like episodes (MELAS) and harbored the variant at >95% heteroplasmy in muscle (PMID: 16284789). P. denitrificans models support a deleterious functional impact of this variant (PS3_supporting; PMID: 16284789). The computational predictors APOGEE1 and APOGEE2 give a consensus rating of pathogenic and each had a raw score of 0.90 (Min=0, Max=1), which predict a damaging effect on gene function (PP3). This variant is absent in the GenBank dataset, Helix dataset, and gnomAD v3.1.2 (PM2_supporting). In summary, this variant meets criteria to be classified as uncertain significance for primary mitochondrial disease inherited in a mitochondrial manner. This classification was approved by the NICHD/NINDS U24 ClinGen Mitochondrial Disease Variant Curation Expert Panel on December 21, 2023. Mitochondrial DNA-specific ACMG/AMP criteria applied (PMID: 32906214): PS3_supporting, PM2_supporting, PP3.

OMIM
Classification: Pathogenic for CYTOCHROME c OXIDASE I DEFICIENCY. Last evaluated: 2006-03-01. Review status: no assertion criteria provided. Collection method: literature only. Allele origin: germline. Not counted in ClinVar's aggregate classification.

Literature cited by the submitters: PubMed 16284789 (cited by OMIM).

NC_012920.1(MT-CO1):m.6328C>T

Gene: MT-CO1 (mitochondrially encoded cytochrome c oxidase I; plus strand).
Variant type: single nucleotide variant.
Genome position: chrM-6328-C-T.
Other names: S142F.
Identifiers: ClinVar variation 9671 (VCV000009671.2), dbSNP rs267606883, ClinGen allele CA120615.